The following is an entry in ClinVar:

NM_001163435.3(TBCK):c.932-15A>G

Gene: TBCK (TBC1 domain containing kinase; minus strand). Cytogenetic location: 4q24.
Variant type: single nucleotide variant.
Coding change: c.932-15A>G on transcript NM_001163435.3 (MANE Select); 15 bases into the intron before coding-DNA position 932, A replaced by G.
Molecular consequence: intron variant.
Genome position (GRCh38, 1-based): chr4:106,244,779, T>C on the plus strand (A>G on the coding strand, the complement: TBCK is on the minus strand). VCF-style: chr4-106244779-T-C. GRCh37 (hg19) VCF-style: chr4-107165936-T-C.
Other names: c.932-15A>G (NM_001163436.4); c.743-15A>G (NM_033115.5); c.815-15A>G (NM_001163437.3); c.416-15A>G (NM_001290768.2).
Identifiers: ClinVar variation 1420363 (VCV001420363.6), dbSNP rs2150041683, ClinGen allele CA2573137928.

ClinVar aggregate classification (germline): Uncertain significance (1 of 4 stars; one submission).

Submission:

Labcorp Genetics (formerly Invitae), Labcorp
Classification: Uncertain significance. Last evaluated: 2021-11-30. Review status: criteria provided, single submitter. Criteria: Invitae Variant Classification Sherloc (09022015). Collection method: clinical testing. Allele origin: germline.
Comment: This sequence change falls in intron 10 of the TBCK gene. It does not directly change the encoded amino acid sequence of the TBCK protein. In summary, the available evidence is currently insufficient to determine the role of this variant in disease. Therefore, it has been classified as a Variant of Uncertain Significance. Algorithms developed to predict the effect of sequence changes on RNA splicing suggest that this variant may create or strengthen a splice site. This variant has not been reported in the literature in individuals affected with TBCK-related conditions. This variant is not present in population databases (gnomAD no frequency).